The following is an entry in ClinVar:

ClinVar aggregate classification (germline): Uncertain significance (1 of 4 stars; one submission).

Conditions:
Dystonia 12 (DYT12). Also called: DYT-ATP1A3; Rapid-Onset Dystonia-Parkinsonism (RDP). Identifiers: Orphanet 71517, MedGen C1868681, MONDO:0007496, OMIM 128235.

gnomAD v4.1: 6 of 1,614,200 alleles (0.00037%); no homozygotes.

Submission:

Labcorp Genetics (formerly Invitae), Labcorp
Classification: Uncertain significance for Dystonia 12. Last evaluated: 2024-09-01. Review status: criteria provided, single submitter. Criteria: Invitae Variant Classification Sherloc (09022015). Collection method: clinical testing. Allele origin: germline.
Comment: This sequence change replaces valine, which is neutral and non-polar, with alanine, which is neutral and non-polar, at codon 422 of the ATP1A3 protein (p.Val422Ala). This variant is present in population databases (rs781980770, gnomAD 0.009%). This variant has not been reported in the literature in individuals affected with ATP1A3-related conditions. Invitae Evidence Modeling of protein sequence and biophysical properties (such as structural, functional, and spatial information, amino acid conservation, physicochemical variation, residue mobility, and thermodynamic stability) has been performed for this missense variant. However, the output from this modeling did not meet the statistical confidence thresholds required to predict the impact of this variant on ATP1A3 protein function. In summary, the available evidence is currently insufficient to determine the role of this variant in disease. Therefore, it has been classified as a Variant of Uncertain Significance.

NM_152296.5(ATP1A3):c.1265T>C (p.Val422Ala)

Gene: ATP1A3 (ATPase Na+/K+ transporting subunit alpha 3; minus strand). Cytogenetic location: 19q13.2.
Variant type: single nucleotide variant.
Coding change: c.1265T>C on transcript NM_152296.5 (MANE Select); coding-DNA position 1265, T replaced by C.
Protein change: p.Val422Ala; replaces valine 422 with alanine.
Molecular consequence: missense variant.
Genome position (GRCh38, 1-based): chr19:41,981,759, A>G on the plus strand (T>C on the coding strand, the complement: ATP1A3 is on the minus strand). VCF-style: chr19-41981759-A-G. GRCh37 (hg19) VCF-style: chr19-42485911-A-G.
Other names: c.1298T>C, p.Val433Ala (NM_001256213.2); c.1304T>C, p.Val435Ala (NM_001256214.2); short protein forms V422A, V433A, V435A.
Identifiers: ClinVar variation 3624358 (VCV003624358.2).
Genomic context (GRCh38, chr19:41,981,759, plus strand): 5'-GTGAGGCCAGTAGCTGAACCCACCTTGAGCACAGGGATGTTGTCCTGACCACCCTTGAAG[A>G]CAGCGCGATTGCAGAGCCCAGCGATGTGAGACAGGGCCACCCAGGTGTGCGAACTCTTGT-3'
Protein context (NP_689509.1, residues 412-432): SHIAGLCNRA[Val422Ala]FKGGQDNIPV